The following is an entry in ClinVar:

ClinVar aggregate classification (germline): Likely pathogenic (1 of 4 stars; one submission).

Conditions:
Neurodevelopmental disorder with dysmorphic facies and distal limb anomalies. Identifiers: Orphanet 686482, MedGen C4540327, MONDO:0060596, OMIM 617755.

Submission:

Juno Genomics, Hangzhou Juno Genomics, Inc
Classification: Likely pathogenic for Neurodevelopmental disorder with dysmorphic facies and distal limb anomalies. Review status: criteria provided, single submitter. Criteria: ACMG Guidelines, 2015. Collection method: clinical testing. Allele origin: germline.
Comment: Absent from controls (or at extremely low frequency if recessive) in Genome Aggregation Database.;Null variant in a gene where loss of function (LOF) is a known mechanism of disease.

NM_182641.4(BPTF):c.8560del (p.Arg2854fs)

Gene: BPTF (bromodomain PHD finger transcription factor; plus strand). Cytogenetic location: 17q24.2.
Variant type: Deletion.
Coding change: c.8560del on transcript NM_182641.4 (MANE Select); coding-DNA position 8560, one base deleted (A; older notation c.8560delA).
Protein change: p.Arg2854fs; shifts the reading frame from arginine 2854.
Molecular consequence: frameshift variant.
Genome position (GRCh38, 1-based): chr17:67,975,792, A deleted; the last of 3 consecutive A bases (chr17:67,975,790-67,975,792); deleting any one gives the same sequence. VCF-style (leftmost placement, unchanged base first): chr17-67975789-GA-G. GRCh37 (hg19) VCF-style: chr17-65971905-GA-G.
Other names: c.8509del, p.Arg2837fs (NM_004459.7); short protein forms R2837fs, R2854fs.
Identifiers: ClinVar variation 3382383 (VCV003382383.3).